The following is an entry in ClinVar:

NM_024537.4(CARS2):c.1579G>A (p.Asp527Asn)

Gene: CARS2 (cysteinyl-tRNA synthetase 2, mitochondrial; minus strand). Cytogenetic location: 13q34.
Variant type: single nucleotide variant.
Coding change: c.1579G>A on transcript NM_024537.4 (MANE Select); coding-DNA position 1579, G replaced by A.
Protein change: p.Asp527Asn; replaces aspartic acid 527 with asparagine.
Molecular consequence: missense variant. On other transcripts: non-coding transcript variant (2).
Genome position (GRCh38, 1-based): chr13:110,642,359, C>T on the plus strand (G>A on the coding strand, the complement: CARS2 is on the minus strand). VCF-style: chr13-110642359-C-T. GRCh37 (hg19) VCF-style: chr13-111294706-C-T.
Other names: c.793G>A, p.Asp265Asn (NM_001352252.2); c.1579G>A (NM_024537.2); short protein forms D527N, D265N.
Identifiers: ClinVar variation 643586 (VCV000643586.8), dbSNP rs150780076, ClinGen allele CA7051602.

ClinVar aggregate classification (germline): Uncertain significance. Review status: criteria provided, multiple submitters, no conflicts (2 of 4 stars). 3 submissions from 3 submitters: Uncertain significance (3). Last evaluated 2025-02-20.

Conditions:
Inborn genetic diseases. Identifiers: MedGen C0950123, MeSH D030342.
Combined oxidative phosphorylation defect type 27. Also called: Combined oxidative phosphorylation deficiency 27. Identifiers: Orphanet 477774, MedGen C5567608, MONDO:0014728, OMIM 616672.

Allele frequency attached by ClinVar (database versions not stated): gnomAD 0.00006; gnomAD exomes 0.00007; TOPMed 0.00008; ExAC 0.00018; ESP Exome Variant Server 0.00039.
gnomAD v4.1: 105 of 1,554,180 alleles (0.0068%); highest among the groups gnomAD compares: Non-Finnish European, 0.0082%; no homozygotes.

Submissions (3):

GeneDx
Classification: Uncertain significance. Last evaluated: 2025-02-20. Review status: criteria provided, single submitter. Criteria: GeneDx Variant Classification Process June 2021. Collection method: clinical testing. Allele origin: germline. Affected: yes.
Comment: Not observed at significant frequency in large population cohorts (gnomAD); In silico analysis supports that this missense variant has a deleterious effect on protein structure/function; Has not been previously published as pathogenic or benign to our knowledge

Ambry Genetics
Classification: Uncertain significance for Inborn genetic diseases. Last evaluated: 2024-08-01. Review status: criteria provided, single submitter. Criteria: Ambry Variant Classification Scheme 2023. Collection method: clinical testing. Allele origin: germline.

Labcorp Genetics (formerly Invitae), Labcorp
Classification: Uncertain significance for Combined oxidative phosphorylation defect type 27. Last evaluated: 2022-05-25. Review status: criteria provided, single submitter. Criteria: Invitae Variant Classification Sherloc (09022015). Collection method: clinical testing. Allele origin: germline.
Comment: This sequence change replaces aspartic acid, which is acidic and polar, with asparagine, which is neutral and polar, at codon 527 of the CARS2 protein (p.Asp527Asn). This variant is present in population databases (rs150780076, gnomAD 0.009%). This variant has not been reported in the literature in individuals affected with CARS2-related conditions. ClinVar contains an entry for this variant (Variation ID: 643586). Algorithms developed to predict the effect of missense changes on protein structure and function are either unavailable or do not agree on the potential impact of this missense change (SIFT: "Deleterious"; PolyPhen-2: "Probably Damaging"; Align-GVGD: "Class C15"). In summary, the available evidence is currently insufficient to determine the role of this variant in disease. Therefore, it has been classified as a Variant of Uncertain Significance.